The following is an entry in ClinVar:

ClinVar aggregate classification (germline): Uncertain significance (1 of 4 stars; one submission).

Conditions:
Hyperammonemia, type III (NAGSD). Also called: Hyperammonemia due to N-acetylglutamate synthase deficiency. Identifiers: Orphanet 927, MedGen C0268543, MONDO:0009377, OMIM 237310.

Allele frequency attached by ClinVar (database versions not stated): gnomAD exomes below 0.00001; TOPMed below 0.00001; gnomAD 0.00001.

Submission:

Labcorp Genetics (formerly Invitae), Labcorp
Classification: Uncertain significance for Hyperammonemia, type III. Last evaluated: 2022-01-02. Review status: criteria provided, single submitter. Criteria: Invitae Variant Classification Sherloc (09022015). Collection method: clinical testing. Allele origin: germline.
Comment: Algorithms developed to predict the effect of missense changes on protein structure and function are either unavailable or do not agree on the potential impact of this missense change (SIFT: "Tolerated"; PolyPhen-2: "Possibly Damaging"; Align-GVGD: "Class C0"). This variant has not been reported in the literature in individuals affected with NAGS-related conditions. This variant is not present in population databases (gnomAD no frequency). This sequence change replaces aspartic acid, which is acidic and polar, with asparagine, which is neutral and polar, at codon 317 of the NAGS protein (p.Asp317Asn). In summary, the available evidence is currently insufficient to determine the role of this variant in disease. Therefore, it has been classified as a Variant of Uncertain Significance.

NM_153006.3(NAGS):c.949G>A (p.Asp317Asn)

Gene: NAGS (N-acetylglutamate synthase; plus strand). Cytogenetic location: 17q21.31.
Variant type: single nucleotide variant.
Coding change: c.949G>A on transcript NM_153006.3 (MANE Select); coding-DNA position 949, G replaced by A.
Protein change: p.Asp317Asn; replaces aspartic acid 317 with asparagine.
Molecular consequence: missense variant.
Genome position (GRCh38, 1-based): chr17:44,006,562, G>A. VCF-style: chr17-44006562-G-A. GRCh37 (hg19) VCF-style: chr17-42083930-G-A.
Other names: short protein forms D317N.
Identifiers: ClinVar variation 2069878 (VCV002069878.4), dbSNP rs2049094572, ClinGen allele CA399726079.
Genomic context (GRCh38, chr17:44,006,562, plus strand): 5'-AGGCTCACCCGCTGACTCCGGACACAGGTCCTGAGTAACGTGAACCTGCCCGCCGACCTG[G>A]ACCTGGTGTGCAACGCCGAGTGGGTGAGCACAAAAGAACGGCAGCAGATGCGGCTCATCG-3'
Protein context (NP_694551.1, residues 307-327): LSNVNLPADL[Asp317Asn]LVCNAEWVST